The following is an entry in ClinVar:

ClinVar aggregate classification (germline): Pathogenic (1 of 4 stars; one submission).

Submission:

Labcorp Genetics (formerly Invitae), Labcorp
Classification: Pathogenic. Last evaluated: 2024-06-03. Review status: criteria provided, single submitter. Criteria: Invitae Variant Classification Sherloc (09022015). Collection method: clinical testing. Allele origin: germline.
Comment: This sequence change creates a premature translational stop signal (p.Ser339Glnfs*2) in the HACE1 gene. It is expected to result in an absent or disrupted protein product. Loss-of-function variants in HACE1 are known to be pathogenic (PMID: 26424145, 26437029). This variant is not present in population databases (gnomAD no frequency). This variant has not been reported in the literature in individuals affected with HACE1-related conditions. ClinVar contains an entry for this variant (Variation ID: 2039047). For these reasons, this variant has been classified as Pathogenic.

Literature cited by the submitters: PubMed 26424145; PubMed 26437029.

NM_020771.4(HACE1):c.1014dup (p.Ser339fs)

Gene: HACE1 (HECT domain and ankyrin repeat containing E3 ubiquitin protein ligase 1; minus strand). Cytogenetic location: 6q16.3.
Variant type: Duplication.
Coding change: c.1014dup on transcript NM_020771.4 (MANE Select); coding-DNA position 1014, one base duplicated (C; older notation c.1014dupC).
Protein change: p.Ser339fs; shifts the reading frame from serine 339.
Molecular consequence: frameshift variant. On other transcripts: non-coding transcript variant (7).
Genome position (GRCh38, 1-based): chr6:104,791,564, G duplicated on the plus strand (C on the coding strand, the reverse complement: HACE1 is on the minus strand); the first of 5 consecutive G bases (chr6:104,791,564-104,791,568); duplicating any one gives the same sequence. VCF-style (leftmost placement, unchanged base first): chr6-104791563-T-TG. GRCh37 (hg19) VCF-style: chr6-105239438-T-TG.
Other names: c.882dup, p.Ser295fs (NM_001321080.2); c.912dup, p.Ser305fs (NM_001321083.2); c.510dup, p.Ser171fs (NM_001321084.2, NM_001350557.2, NM_001350558.2); c.780dup, p.Ser261fs (NM_001350554.2); c.723dup, p.Ser242fs (NM_001350555.2); c.528dup, p.Ser177fs (NM_001350556.2); c.432dup, p.Ser145fs (NM_001350559.2); c.231dup, p.Ser78fs (NM_001350560.2); short protein forms S171fs, S261fs, S295fs, S305fs, S339fs, S78fs, S145fs, S242fs.
Identifiers: ClinVar variation 2039047 (VCV002039047.4), dbSNP rs2114839785, ClinGen allele CA2580074703.
Genomic context (GRCh38, chr6:104,791,563, plus strand): 5'-CCTTGAACACCTGGCTTCTTGGAGTTTTATTCCCATTGTAGCCCATATCAATTCCATTAC[T>TG]GGGGGAGGATGGACCAATTCGAAAGACGTGACAAAACATTCTCACAATCCTTAAAAGGCT-3'